The following is an entry in ClinVar:

ClinVar aggregate classification (germline): Benign/Likely benign. Review status: criteria provided, multiple submitters, no conflicts (2 of 4 stars). 4 submissions from 4 submitters: Benign (1); Likely benign (3). Last evaluated 2026-03-01.

Conditions:
Desbuquois dysplasia 1 (DBQD1). Also called: MICROMELIC DWARFISM WITH VERTEBRAL AND METAPHYSEAL ABNORMALITIES AND ADVANCED CARPOTARSAL OSSIFICATION; DESBUQUOIS DYSPLASIA 1, KIM VARIANT. Identifiers: Orphanet 1425, MedGen C4012146, MONDO:0009629, OMIM 251450.
XYLT1-related disorder. Also called: XYLT1-related condition.

Allele frequency attached by ClinVar (database versions not stated): ESP Exome Variant Server 0.00023; TOPMed 0.00023; gnomAD 0.00031 and 0.00057; gnomAD exomes 0.00077 and 0.00130; ExAC 0.00154; 1000 Genomes Project 30x 0.00187; 1000 Genomes Project 0.00200.
gnomAD v4.1: 1,216 of 1,614,126 alleles (0.075%); highest among the groups gnomAD compares: South Asian, 0.8%; 14 homozygotes.

Submissions (4):

CeGaT Center for Human Genetics Tuebingen
Classification: Likely benign. Last evaluated: 2026-03-01. Review status: criteria provided, single submitter. Criteria: CeGaT Center For Human Genetics Tuebingen Variant Classification Criteria Version 2. Collection method: clinical testing. Allele origin: germline. Affected: yes. Observed: 3 variant alleles.
Comment: XYLT1: BP4, BP7, BS2

Labcorp Genetics (formerly Invitae), Labcorp
Classification: Benign for Desbuquois dysplasia 1. Last evaluated: 2026-01-05. Review status: criteria provided, single submitter. Criteria: Invitae Variant Classification Sherloc (09022015). Collection method: clinical testing. Allele origin: germline.

PreventionGenetics, part of Exact Sciences
Classification: Likely benign for XYLT1-related condition. Last evaluated: 2025-11-28. Review status: criteria provided, single submitter. Criteria: ACMG Guidelines, 2015. Collection method: clinical testing. Allele origin: germline.
Comment: This variant is classified as likely benign based on ACMG/AMP sequence variant interpretation guidelines (Richards et al. 2015 PMID: 25741868, with internal and published modifications).

Blueprint Genetics
Classification: Likely benign. Last evaluated: 2024-11-18. Review status: criteria provided, single submitter. Criteria: ACMG Guidelines, 2015. Collection method: clinical testing. Allele origin: germline.

NM_022166.4(XYLT1):c.1272G>A (p.Ala424=)

Gene: XYLT1 (xylosyltransferase 1; minus strand). Cytogenetic location: 16p12.3.
Variant type: single nucleotide variant.
Coding change: c.1272G>A on transcript NM_022166.4 (MANE Select); coding-DNA position 1272, G replaced by A.
Protein change: p.Ala424=; no amino-acid change (alanine 424 retained).
Molecular consequence: synonymous variant.
Genome position (GRCh38, 1-based): chr16:17,198,229, C>T on the plus strand (G>A on the coding strand, the complement: XYLT1 is on the minus strand). VCF-style: chr16-17198229-C-T. GRCh37 (hg19) VCF-style: chr16-17292086-C-T.
Identifiers: ClinVar variation 474966 (VCV000474966.34), dbSNP rs144531370, ClinGen allele CA7927976.
Genomic context (GRCh38, chr16:17,198,229, plus strand): 5'-AGGACGTCAGACAAGACTGGCTTGGGGCCCTTGGCTGCCTTACCTGATGGGGTAGTCGGC[C>T]GCACTCAGGTTGATGAAGAAGTCCCAGGGCCAGTCGGTCATCTCCAGGAGGTCCCGCATG-3'
Protein context (NP_071449.1, residues 414-434): WPWDFFINLS[Ala424=]ADYPIRTNDQ